The following is an entry in ClinVar:

ClinVar aggregate classification (germline): Uncertain significance (1 of 4 stars; one submission).

Submission:

GeneDx
Classification: Uncertain significance. Last evaluated: 2023-09-20. Review status: criteria provided, single submitter. Criteria: GeneDx Variant Classification Process June 2021. Collection method: clinical testing. Allele origin: germline. Affected: yes.
Comment: Has not been previously published as pathogenic or benign to our knowledge; Not observed at significant frequency in large population cohorts (gnomAD); In silico analysis supports that this missense variant has a deleterious effect on protein structure/function; In silico analysis supports a deleterious effect on splicing

NM_000702.4(ATP1A2):c.953C>T (p.Ala318Val)

Gene: ATP1A2 (ATPase Na+/K+ transporting subunit alpha 2; plus strand). Cytogenetic location: 1q23.2.
Variant type: single nucleotide variant.
Coding change: c.953C>T on transcript NM_000702.4 (MANE Select); coding-DNA position 953, C replaced by T.
Protein change: p.Ala318Val; replaces alanine 318 with valine.
Molecular consequence: missense variant.
Genome position (GRCh38, 1-based): chr1:160,127,756, C>T. VCF-style: chr1-160127756-C-T. GRCh37 (hg19) VCF-style: chr1-160097546-C-T.
Other names: short protein forms A318V.
Identifiers: ClinVar variation 3340886 (VCV003340886.1).